The following is an entry in ClinVar:

NM_002691.4(POLD1):c.1242+7G>A

Gene: POLD1 (DNA polymerase delta 1, catalytic subunit; plus strand). Cytogenetic location: 19q13.33.
Variant type: single nucleotide variant.
Coding change: c.1242+7G>A on transcript NM_002691.4 (MANE Select); 7 bases into the intron after coding-DNA position 1242, G replaced by A.
Molecular consequence: intron variant.
Genome position (GRCh38, 1-based): chr19:50,403,604, G>A. VCF-style: chr19-50403604-G-A. GRCh37 (hg19) VCF-style: chr19-50906861-G-A.
Other names: c.1242+7G>A (NM_001256849.1, NM_001308632.1).
Identifiers: ClinVar variation 756965 (VCV000756965.10), dbSNP rs1601206581, ClinGen allele CA915951930.

ClinVar aggregate classification (germline): Likely benign. Review status: criteria provided, multiple submitters, no conflicts (2 of 4 stars). 2 submissions from 2 submitters: Likely benign (2). Last evaluated 2025-02-05.

Conditions:
POLD1-related polyposis and colorectal cancer syndrome (CRCS10). Also called: Colorectal cancer, susceptibility to, 10; Colorectal cancer 10; COLORECTAL CANCER, SUSCEPTIBILITY TO, ON CHROMOSOME 19q. Identifiers: Orphanet 220460, MedGen C2675481, MONDO:0012953, OMIM 612591.

Allele frequency attached by ClinVar (database versions not stated): gnomAD exomes below 0.00001.
gnomAD v4.1: 1 of 1,581,596 alleles (0.000063%); highest among the groups gnomAD compares: Non-Finnish European, 0.000087%; no homozygotes.

Submissions (2):

Myriad Genetics, Inc.
Classification: Likely benign for POLD1-related polyposis and colorectal cancer syndrome. Last evaluated: 2025-02-05. Review status: criteria provided, single submitter. Criteria: Myriad Autosomal Dominant, Autosomal Recessive and X-Linked Classification Criteria (2023). Collection method: clinical testing. Allele origin: unknown.
Comment: This variant is considered likely benign. This variant is intronic and is not expected to impact mRNA splicing.

Labcorp Genetics (formerly Invitae), Labcorp
Classification: Likely benign for POLD1-related polyposis and colorectal cancer syndrome. Last evaluated: 2024-04-09. Review status: criteria provided, single submitter. Criteria: Invitae Variant Classification Sherloc (09022015). Collection method: clinical testing. Allele origin: germline.